The following is an entry in ClinVar:

NM_032776.3(JMJD1C):c.1129G>A (p.Glu377Lys)

Gene: JMJD1C (jumonji domain containing 1C; minus strand). Cytogenetic location: 10q21.3.
Variant type: single nucleotide variant.
Coding change: c.1129G>A on transcript NM_032776.3 (MANE Select); coding-DNA position 1129, G replaced by A.
Protein change: p.Glu377Lys; replaces glutamic acid 377 with lysine.
Molecular consequence: missense variant. On other transcripts: non-coding transcript variant (1).
Genome position (GRCh38, 1-based): chr10:63,215,038, C>T on the plus strand (G>A on the coding strand, the complement: JMJD1C is on the minus strand). VCF-style: chr10-63215038-C-T. GRCh37 (hg19) VCF-style: chr10-64974798-C-T.
Other names: c.583G>A, p.Glu195Lys (NM_001282948.2, NM_001318154.2); c.265G>A, p.Glu89Lys (NM_001318153.2); c.1015G>A, p.Glu339Lys (NM_001322252.2); c.472G>A, p.Glu158Lys (NM_001322254.2, NM_001322258.2); short protein forms E89K, E195K, E339K, E377K, E158K.
Identifiers: ClinVar variation 967530 (VCV000967530.9), dbSNP rs763376418, ClinGen allele CA5518850.
Genomic context (GRCh38, chr10:63,215,038, plus strand): 5'-GCTTCTGTTCTGAGGAATTATCTATTATTCTCTTATTTGAATTTTCTGAGTCACTGCTCT[C>T]AGAAAAGTCTGAAACATTGTCAGTTCGAAGTCTTTTCATATTTAGTTTCTTTTCATCCTC-3'
Protein context (NP_116165.1, residues 367-387): LRTDNVSDFS[Glu377Lys]SSDSENSNKR

ClinVar aggregate classification (germline): Uncertain significance (1 of 4 stars; one submission).

Conditions:
Early Myoclonic Encephalopathy. Identifiers: MedGen C0270855.

Allele frequency attached by ClinVar (database versions not stated): ExAC 0.00001.

Submission:

Labcorp Genetics (formerly Invitae), Labcorp
Classification: Uncertain significance for Early Myoclonic Encephalopathy. Last evaluated: 2025-05-27. Review status: criteria provided, single submitter. Criteria: Invitae Variant Classification Sherloc (09022015). Collection method: clinical testing. Allele origin: germline.
Comment: This sequence change replaces glutamic acid, which is acidic and polar, with lysine, which is basic and polar, at codon 377 of the JMJD1C protein (p.Glu377Lys). This variant is present in population databases (rs763376418, gnomAD 0.0009%). This variant has not been reported in the literature in individuals affected with JMJD1C-related conditions. ClinVar contains an entry for this variant (Variation ID: 967530). Invitae Evidence Modeling of protein sequence and biophysical properties (such as structural, functional, and spatial information, amino acid conservation, physicochemical variation, residue mobility, and thermodynamic stability) indicates that this missense variant is expected to disrupt JMJD1C protein function with a positive predictive value of 80%. In summary, the available evidence is currently insufficient to determine the role of this variant in disease. Therefore, it has been classified as a Variant of Uncertain Significance.